The following is an entry in ClinVar:

ClinVar aggregate classification (germline): Uncertain significance. Review status: criteria provided, multiple submitters, no conflicts (2 of 4 stars). 5 submissions from 5 submitters: Uncertain significance (5). Last evaluated 2025-01-15.

Conditions:
Cardiac arrhythmia. Also called: Cardiac rhythm disease; Arrhythmia. Identifiers: MedGen C0003811, MONDO:0007263, HP:0011675.
Short QT syndrome type 2. Identifiers: Orphanet 51083, MedGen C1865019, MONDO:0012313, OMIM 609621.
Long QT syndrome 1 (LQT1). Identifiers: Orphanet 101016, Orphanet 768, MedGen C4551647, MONDO:0100316, OMIM 192500, MONDO:0008646.
Jervell and Lange-Nielsen syndrome 1 (JLNS1). Also called: CARDIOAUDITORY SYNDROME OF JERVELL AND LANGE-NIELSEN; DEAFNESS, CONGENITAL, AND FUNCTIONAL HEART DISEASE; PROLONGED QT INTERVAL IN EKG AND SUDDEN DEATH; SURDO-CARDIAC SYNDROME. Identifiers: MONDO:0024540, OMIM 220400, Orphanet 768, Orphanet 90647, MedGen C4551509.
Atrial fibrillation, familial, 3 (ATFB3). Identifiers: MedGen C1837014, MONDO:0011857, OMIM 607554.
Beckwith-Wiedemann syndrome (BWS). Also called: Exomphalos macroglossia gigantism syndrome; EMG SYNDROME. Identifiers: Orphanet 116, MedGen C0004903, MONDO:0007534, OMIM 130650.
Long QT syndrome (LQTS). Identifiers: MedGen C0023976, MeSH D008133, MONDO:0002442. Disease mechanism: loss of function. Inheritance: Various modes of inheritance.

Allele frequency attached by ClinVar (database versions not stated): TOPMed below 0.00001; gnomAD 0.00001; gnomAD exomes 0.00001.
gnomAD v4.1: 16 of 1,569,170 alleles (0.001%); highest among the groups gnomAD compares: Non-Finnish European, 0.0013%; no homozygotes.

Submissions (5):

Labcorp Genetics (formerly Invitae), Labcorp
Classification: Uncertain significance for Long QT syndrome. Last evaluated: 2025-01-15. Review status: criteria provided, single submitter. Criteria: Invitae Variant Classification Sherloc (09022015). Collection method: clinical testing. Allele origin: germline.
Comment: This sequence change replaces glycine, which is neutral and non-polar, with serine, which is neutral and polar, at codon 622 of the KCNQ1 protein (p.Gly622Ser). The frequency data for this variant in the population databases is considered unreliable, as metrics indicate poor data quality at this position in the gnomAD database. This variant has not been reported in the literature in individuals affected with KCNQ1-related conditions. ClinVar contains an entry for this variant (Variation ID: 970638). Invitae Evidence Modeling of protein sequence and biophysical properties (such as structural, functional, and spatial information, amino acid conservation, physicochemical variation, residue mobility, and thermodynamic stability) indicates that this missense variant is not expected to disrupt KCNQ1 protein function with a negative predictive value of 95%. In summary, the available evidence is currently insufficient to determine the role of this variant in disease. Therefore, it has been classified as a Variant of Uncertain Significance.

All of Us Research Program, National Institutes of Health
Classification: Uncertain significance for Long QT syndrome. Last evaluated: 2024-04-16. Review status: criteria provided, single submitter. Criteria: ACMG Guidelines, 2015. Collection method: clinical testing. Allele origin: germline. Inheritance: Autosomal dominant inheritance. Observed: 3 variant alleles, 3 heterozygotes.
Comment: This missense variant replaces glycine with serine at codon 622 of the KCNQ1 protein. Computational prediction is inconclusive regarding the impact of this variant on protein structure and function (internally defined REVEL score threshold 0.5 < inconclusive < 0.7, PMID: 27666373). To our knowledge, functional studies have not been reported for this variant. This variant has not been reported in individuals affected with KCNQ1-related disorders in the literature. This variant has been identified in 3/208878 chromosomes in the general population by the Genome Aggregation Database (gnomAD). The available evidence is insufficient to determine the role of this variant in disease conclusively. Therefore, this variant is classified as a Variant of Uncertain Significance.

This study involves interpretation of variants in research participants for the purpose of population health screening. Participant phenotype was not available at the time of variant classification. Additional details can be found in publication PMID: 35346344, PMCID: PMC8962531

Color Diagnostics, LLC DBA Color Health
Classification: Uncertain significance for Cardiac arrhythmia. Last evaluated: 2024-03-19. Review status: criteria provided, single submitter. Criteria: ACMG Guidelines, 2015. Collection method: clinical testing. Allele origin: germline.
Comment: This missense variant replaces glycine with serine at codon 622 of the KCNQ1 protein. Computational prediction is inconclusive regarding the impact of this variant on protein structure and function. To our knowledge, functional studies have not been reported for this variant. This variant has not been reported in individuals affected with KCNQ1-related disorders in the literature. This variant has been identified in 3/208878 chromosomes in the general population by the Genome Aggregation Database (gnomAD). The available evidence is insufficient to determine the role of this variant in disease conclusively. Therefore, this variant is classified as a Variant of Uncertain Significance.

GeneDx
Classification: Uncertain significance. Last evaluated: 2023-06-18. Review status: criteria provided, single submitter. Criteria: GeneDx Variant Classification Process June 2021. Collection method: clinical testing. Allele origin: germline. Affected: yes.
Comment: Has not been previously published as pathogenic or benign to our knowledge; Not observed at significant frequency in large population cohorts (gnomAD); In silico analysis supports that this missense variant does not alter protein structure/function

Fulgent Genetics
Classification: Uncertain significance for Beckwith-Wiedemann syndrome; Long QT syndrome 1; Jervell and Lange-Nielsen syndrome 1; Atrial fibrillation, familial, 3; Short QT syndrome type 2. Last evaluated: 2021-10-13. Review status: criteria provided, single submitter. Criteria: ACMG Guidelines, 2015. Collection method: clinical testing. Allele origin: unknown.

NM_000218.3(KCNQ1):c.1864G>A (p.Gly622Ser)

Genes: KCNQ1 (potassium voltage-gated channel subfamily Q member 1; plus strand), KCNQ1-AS1 (KCNQ1 antisense RNA 1; minus strand). Cytogenetic location: 11p15.4.
Variant type: single nucleotide variant.
Coding change: c.1864G>A on transcript NM_000218.3 (MANE Select); coding-DNA position 1864, G replaced by A.
Protein change: p.Gly622Ser; replaces glycine 622 with serine.
Molecular consequence: missense variant.
Genome position (GRCh38, 1-based): chr11:2,847,836, G>A. VCF-style: chr11-2847836-G-A. GRCh37 (hg19) VCF-style: chr11-2869066-G-A.
Other names: c.1768G>A, p.Gly590Ser (NM_001406836.1); c.1594G>A, p.Gly532Ser (NM_001406837.1); c.1324G>A, p.Gly442Ser (NM_001406838.1); c.376G>A, p.Gly126Ser (NM_001406839.1); c.1483G>A, p.Gly495Ser (NM_181798.2); short protein forms G495S, G622S, G442S, G532S, G126S, G590S.
Identifiers: ClinVar variation 970638 (VCV000970638.13), dbSNP rs1225780996, ClinGen allele CA379140318.